The following is an entry in ClinVar:

ClinVar aggregate classification (germline): Uncertain significance (1 of 4 stars; one submission).

Submission:

GeneDx
Classification: Uncertain significance. Last evaluated: 2025-02-21. Review status: criteria provided, single submitter. Criteria: GeneDx Variant Classification Process June 2021. Collection method: clinical testing. Allele origin: germline. Affected: yes.
Comment: Not observed at significant frequency in large population cohorts (gnomAD); In silico analysis supports that this missense variant has a deleterious effect on protein structure/function; Has not been previously published as pathogenic or benign to our knowledge

NM_015176.4(FBXO28):c.202C>A (p.Pro68Thr)

Gene: FBXO28 (F-box protein 28; plus strand). Cytogenetic location: 1q42.11.
Variant type: single nucleotide variant.
Coding change: c.202C>A on transcript NM_015176.4 (MANE Select); coding-DNA position 202, C replaced by A.
Protein change: p.Pro68Thr; replaces proline 68 with threonine.
Molecular consequence: missense variant. On other transcripts: non-coding transcript variant (1).
Genome position (GRCh38, 1-based): chr1:224,114,331, C>A. VCF-style: chr1-224114331-C-A. GRCh37 (hg19) VCF-style: chr1-224302033-C-A.
Other names: c.202C>A, p.Pro68Thr (NM_001136115.3); short protein forms P68T.
Identifiers: ClinVar variation 4076871 (VCV004076871.1).